The following is an entry in ClinVar:

ClinVar aggregate classification (germline): Uncertain significance (1 of 4 stars; one submission).

gnomAD v4.1: 2 of 1,607,394 alleles (0.00012%); highest among the groups gnomAD compares: Admixed American, 0.0017%; no homozygotes.

Submission:

Athena Diagnostics
Classification: Uncertain significance. Last evaluated: 2025-04-29. Review status: criteria provided, single submitter. Criteria: Athena Diagnostics Criteria. Collection method: clinical testing. Allele origin: unknown.
Comment: Available data are insufficient to determine the clinical significance of the variant at this time. The frequency of this variant in the general population is uninformative in assessment of its pathogenicity. This variant has been seen where an alternate explanation for disease was also identified, suggesting this variant may not cause disease. Polyphen and MutationTaster predict this amino acid change may be benign.

NM_198994.3(TGM6):c.1603A>G (p.Thr535Ala)

Gene: TGM6 (transglutaminase 6; plus strand). Cytogenetic location: 20p13.
Variant type: single nucleotide variant.
Coding change: c.1603A>G on transcript NM_198994.3 (MANE Select); coding-DNA position 1603, A replaced by G.
Protein change: p.Thr535Ala; replaces threonine 535 with alanine.
Molecular consequence: missense variant.
Genome position (GRCh38, 1-based): chr20:2,417,498, A>G. VCF-style: chr20-2417498-A-G. GRCh37 (hg19) VCF-style: chr20-2398144-A-G.
Other names: c.1603A>G, p.Thr535Ala (NM_001254734.2); short protein forms T535A.
Identifiers: ClinVar variation 4682298 (VCV004682298.1).